The following is an entry in ClinVar:

ClinVar aggregate classification (germline): Likely benign. Review status: criteria provided, multiple submitters, no conflicts (2 of 4 stars). 2 submissions from 2 submitters: Likely benign (2). Last evaluated 2026-01-12.

Allele frequency attached by ClinVar (database versions not stated): gnomAD exomes below 0.00001 and 0.00002; gnomAD 0.00002 and 0.00003; ExAC 0.00003; TOPMed 0.00003; 1000 Genomes Project 30x 0.00031; 1000 Genomes Project 0.00040.
gnomAD v4.1: 14 of 1,611,654 alleles (0.00087%); highest among the groups gnomAD compares: South Asian, 0.0044%; 1 homozygote.

Submissions (2):

Labcorp Genetics (formerly Invitae), Labcorp
Classification: Likely benign. Last evaluated: 2026-01-12. Review status: criteria provided, single submitter. Criteria: Invitae Variant Classification Sherloc (09022015). Collection method: clinical testing. Allele origin: germline.

GeneDx
Classification: Likely benign. Last evaluated: 2017-12-11. Review status: criteria provided, single submitter. Criteria: GeneDx Variant Classification (06012015). Collection method: clinical testing. Allele origin: germline. Affected: yes.
Comment: This variant is considered likely benign or benign based on one or more of the following criteria: it is a conservative change, it occurs at a poorly conserved position in the protein, it is predicted to be benign by multiple in silico algorithms, and/or has population frequency not consistent with disease.

NM_022124.6(CDH23):c.1611C>T (p.Asp537=)

Gene: CDH23 (cadherin related 23; plus strand). Cytogenetic location: 10q22.1.
Variant type: single nucleotide variant.
Coding change: c.1611C>T on transcript NM_022124.6 (MANE Select); coding-DNA position 1611, C replaced by T.
Protein change: p.Asp537=; no amino-acid change (aspartic acid 537 retained).
Molecular consequence: synonymous variant.
Genome position (GRCh38, 1-based): chr10:71,677,552, C>T. VCF-style: chr10-71677552-C-T. GRCh37 (hg19) VCF-style: chr10-73437309-C-T.
Other names: c.1611C>T, p.Asp537= (NM_001171930.2, NM_001171931.2).
Identifiers: ClinVar variation 513652 (VCV000513652.10), dbSNP rs543225183, ClinGen allele CA5543904.